The following is an entry in ClinVar:

NM_001164508.2(NEB):c.17543A>G (p.Tyr5848Cys)

Gene: NEB (nebulin; minus strand). Cytogenetic location: 2q23.3.
Variant type: single nucleotide variant.
Coding change: c.17543A>G on transcript NM_001164508.2 (MANE Select); coding-DNA position 17543, A replaced by G.
Protein change: p.Tyr5848Cys; replaces tyrosine 5848 with cysteine.
Molecular consequence: missense variant.
Genome position (GRCh38, 1-based): chr2:151,568,709, T>C on the plus strand (A>G on the coding strand, the complement: NEB is on the minus strand). VCF-style: chr2-151568709-T-C. GRCh37 (hg19) VCF-style: chr2-152425223-T-C.
Other names: c.17543A>G, p.Tyr5848Cys (NM_001164507.2, NM_001271208.2); c.12440A>G, p.Tyr4147Cys (NM_004543.5); short protein forms Y4147C, Y5848C.
Identifiers: ClinVar variation 648303 (VCV000648303.8), dbSNP rs1577949283, ClinGen allele CA348805462.

ClinVar aggregate classification (germline): Uncertain significance (1 of 4 stars; one submission).

Conditions:
Nemaline myopathy 2 (NEM2). Also called: Nemaline myopathy 2, autosomal recessive. Identifiers: MedGen C1850569, MONDO:0009725, OMIM 256030.

Allele frequency attached by ClinVar (database versions not stated): gnomAD exomes below 0.00001.
gnomAD v4.1: 1 of 1,589,966 alleles (0.000063%); highest among the groups gnomAD compares: African/African-American, 0.0013%; no homozygotes.

Submission:

Labcorp Genetics (formerly Invitae), Labcorp
Classification: Uncertain significance for Nemaline myopathy 2. Last evaluated: 2018-07-13. Review status: criteria provided, single submitter. Criteria: Invitae Variant Classification Sherloc (09022015). Collection method: clinical testing. Allele origin: germline.
Comment: Algorithms developed to predict the effect of missense changes on protein structure and function are either unavailable or do not agree on the potential impact of this missense change (SIFT: "Deleterious"; PolyPhen-2: "Not Available"; Align-GVGD: "Class C0"). In summary, the available evidence is currently insufficient to determine the role of this variant in disease. Therefore, it has been classified as a Variant of Uncertain Significance. This variant has not been reported in the literature in individuals with NEB-related disease. This sequence change replaces tyrosine with cysteine at codon 5848 of the NEB protein (p.Tyr5848Cys). The tyrosine residue is moderately conserved and there is a large physicochemical difference between tyrosine and cysteine. This variant is not present in population databases (ExAC no frequency).